The following is an entry in ClinVar:

NM_000059.4(BRCA2):c.4731dup (p.Leu1578fs)

Gene: BRCA2 (BRCA2 DNA repair associated; plus strand). Cytogenetic location: 13q13.1.
Variant type: Duplication.
Coding change: c.4731dup on transcript NM_000059.4 (MANE Select); coding-DNA position 4731, one base duplicated (A; older notation c.4731dupA).
Protein change: p.Leu1578fs; shifts the reading frame from leucine 1578.
Molecular consequence: frameshift variant.
Genome position (GRCh38, 1-based): chr13:32,339,086, A duplicated; the last of 2 consecutive A bases (chr13:32,339,085-32,339,086); duplicating either gives the same sequence. VCF-style (leftmost placement, unchanged base first): chr13-32339084-G-GA. GRCh37 (hg19) VCF-style: chr13-32913221-G-GA.
Other names: c.4731dupA (NM_000059.3); short protein forms L1578fs.
Identifiers: ClinVar variation 548325 (VCV000548325.14), dbSNP rs397507740, ClinGen allele CA020718.
Genomic context (GRCh38, chr13:32,339,084, plus strand): 5'-ACCAGTTTTAGCCATCAATGGGCAAAGACCCTAAAGTACAGAGAGGCCTGTAAAGACCTT[G>GA]AATTAGCATGTGAGACCATTGAGATCACAGCTGCCCCAAAGTGTAAAGAAATGCAGAATT-3'

ClinVar aggregate classification (germline): Pathogenic. Review status: reviewed by expert panel (3 of 4 stars). 3 submissions from 3 submitters: Pathogenic (1). 2 of the submissions do not count toward it. Last evaluated 2017-12-15.

Conditions:
Familial cancer of breast. Also called: BREAST CANCER, FAMILIAL; Hereditary breast cancer; hereditary breast carcinoma. Identifiers: Orphanet 227535, MedGen C0346153, MONDO:0016419, OMIM 114480. Disease mechanism: loss of function.
Hereditary breast ovarian cancer syndrome. Also called: Hereditary breast and ovarian cancer; Hereditary breast and/or ovarian cancer syndrome; Hereditary breast and ovarian cancer syndrome (HBOC); Breast and ovarian cancer; BRCA1- and BRCA2-Associated Hereditary Breast and Ovarian Cancer; Hereditary breast and ovarian cancer syndrome. Identifiers: Orphanet 145, MedGen C0677776, MeSH D061325, MONDO:0003582. Disease mechanism: loss of function.
Breast-ovarian cancer, familial, susceptibility to, 2 (BROVCA2). Also called: BRCA2 Hereditary Breast and Ovarian Cancer. Identifiers: Orphanet 145, MedGen C2675520, MONDO:0012933, OMIM 612555. Disease mechanism: loss of function.

Submissions (3):

Evidence-based Network for the Interpretation of Germline Mutant Alleles (ENIGMA)
Classification: Pathogenic for Breast-ovarian cancer, familial, susceptibility to, 2. Last evaluated: 2017-12-15. Review status: reviewed by expert panel. Criteria: ENIGMA BRCA1/2 Classification Criteria (2017-06-29). Collection method: curation. Allele origin: germline. Study: ENIGMA.
Comment: Variant allele predicted to encode a truncated non-functional protein.

Labcorp Genetics (formerly Invitae), Labcorp
Classification: Pathogenic for Hereditary breast ovarian cancer syndrome. Last evaluated: 2023-10-12. Review status: criteria provided, single submitter. Criteria: Invitae Variant Classification Sherloc (09022015). Collection method: clinical testing. Allele origin: germline. Not counted in ClinVar's aggregate classification.
Comment: This sequence change creates a premature translational stop signal (p.Leu1578Ilefs*4) in the BRCA2 gene. It is expected to result in an absent or disrupted protein product. Loss-of-function variants in BRCA2 are known to be pathogenic (PMID: 20104584). This variant is not present in population databases (gnomAD no frequency). This premature translational stop signal has been observed in individual(s) with breast cancer (PMID: 22486713). This variant is also known as c.4729GinsA. ClinVar contains an entry for this variant (Variation ID: 548325). For these reasons, this variant has been classified as Pathogenic.

ClinVar Staff, National Center for Biotechnology Information (NCBI)
No classification provided. Condition: Familial cancer of breast. Review status: no classification provided. Collection method: literature only. Allele origin: germline. Affected: yes. Not counted in ClinVar's aggregate classification.

Literature cited by the submitters: PubMed 20104584 (cited by Labcorp Genetics (formerly Invitae), Labcorp); PubMed 22486713 (cited by Labcorp Genetics (formerly Invitae), Labcorp and ClinVar Staff, National Center for Biotechnology Information (NCBI)).